The following is an entry in ClinVar:

ClinVar aggregate classification (germline): Pathogenic. Review status: criteria provided, multiple submitters, no conflicts (2 of 4 stars). 3 submissions from 3 submitters: Pathogenic (3). Last evaluated 2024-07-30.

Conditions:
Inborn genetic diseases. Identifiers: MedGen C0950123, MeSH D030342.
Spinocerebellar ataxia type 6 (SCA6). Identifiers: Orphanet 98758, MedGen C0752124, MONDO:0008457, OMIM 183086.

Submissions (3):

GeneDx
Classification: Pathogenic. Last evaluated: 2024-07-30. Review status: criteria provided, single submitter. Criteria: GeneDx Variant Classification Process June 2021. Collection method: clinical testing. Allele origin: germline. Affected: yes.
Comment: Nonsense variant predicted to result in protein truncation or nonsense mediated decay in a gene for which loss of function is a known mechanism of disease; Not observed at significant frequency in large population cohorts (gnomAD); This variant is associated with the following publications: (PMID: 35012964)

Neurometabolic Diseases Laboratory, Bellvitge Biomedical Research Institute (IDIBELL)
Classification: Pathogenic for Spinocerebellar ataxia type 6. Last evaluated: 2023-04-27. Review status: criteria provided, single submitter. Criteria: ACMG Guidelines, 2015. Collection method: research. Allele origin: germline. Affected: yes.

Ambry Genetics
Classification: Pathogenic for Inborn genetic diseases. Last evaluated: 2017-05-27. Review status: criteria provided, single submitter. Criteria: Ambry Variant Classification Scheme 2023. Collection method: clinical testing. Allele origin: germline.
Comment: The c.1637dupA pathogenic mutation, located in coding exon 12 of the CACNA1A gene, results from a duplication of A at nucleotide position 1637, causing a translational frameshift with a predicted alternate stop codon (p.Y546*). This alteration is expected to result in loss of function by premature protein truncation or nonsense-mediated mRNA decay. As such, this alteration is interpreted as a disease-causing mutation.

NM_001127222.2(CACNA1A):c.1634dup (p.Tyr545Ter)

Gene: CACNA1A (calcium voltage-gated channel subunit alpha1 A; minus strand). Cytogenetic location: 19p13.13.
Variant type: Duplication.
Coding change: c.1634dup on transcript NM_001127222.2 (MANE Select); coding-DNA position 1634, one base duplicated (A; older notation c.1634dupA).
Protein change: p.Tyr545Ter; replaces tyrosine 545 with a stop codon.
Molecular consequence: nonsense.
Genome position (GRCh38, 1-based): chr19:13,312,703, T duplicated on the plus strand (A on the coding strand, the reverse complement: CACNA1A is on the minus strand). VCF-style (leftmost placement, unchanged base first): chr19-13312702-G-GT. GRCh37 (hg19) VCF-style: chr19-13423516-G-GT.
Other names: c.1637dupA (NM_001127221.1); c.1637dup, p.Tyr546Ter (NM_000068.4, NM_001127221.2, NM_001174080.2 and 1 more transcripts); c.1637dup (NM_001127221.1); short protein forms Y546*, Y545*.
Identifiers: ClinVar variation 589171 (VCV000589171.32), dbSNP rs1568523843, ClinGen allele CA891844167.